The following is an entry in ClinVar:

ClinVar aggregate classification (germline): Uncertain significance (1 of 4 stars; one submission).

Submission:

GeneDx
Classification: Uncertain significance. Last evaluated: 2020-01-24. Review status: criteria provided, single submitter. Criteria: GeneDx Variant Classification Process June 2021. Collection method: clinical testing. Allele origin: germline. Affected: yes.
Comment: Not observed in large population cohorts (Lek et al., 2016); In silico analysis, which includes protein predictors and evolutionary conservation, supports that this variant does not alter protein structure/function; Has not been previously published as pathogenic or benign to our knowledge

NM_000217.3(KCNA1):c.1365G>T (p.Met455Ile)

Gene: KCNA1 (potassium voltage-gated channel subfamily A member 1; plus strand). Cytogenetic location: 12p13.32.
Variant type: single nucleotide variant.
Coding change: c.1365G>T on transcript NM_000217.3 (MANE Select); coding-DNA position 1365, G replaced by T.
Protein change: p.Met455Ile; replaces methionine 455 with isoleucine.
Molecular consequence: missense variant.
Genome position (GRCh38, 1-based): chr12:4,912,743, G>T. VCF-style: chr12-4912743-G-T. GRCh37 (hg19) VCF-style: chr12-5021909-G-T.
Other names: short protein forms M455I.
Identifiers: ClinVar variation 1195360 (VCV001195360.2), dbSNP rs2137674183, ClinGen allele CA383456620.